The following is an entry in ClinVar:

NM_032608.7(MYO18B):c.835C>T (p.Pro279Ser)

Gene: MYO18B (myosin XVIIIB; plus strand). Cytogenetic location: 22q12.1.
Variant type: single nucleotide variant.
Coding change: c.835C>T on transcript NM_032608.7 (MANE Select); coding-DNA position 835, C replaced by T.
Protein change: p.Pro279Ser; replaces proline 279 with serine.
Molecular consequence: missense variant.
Genome position (GRCh38, 1-based): chr22:25,768,751, C>T. VCF-style: chr22-25768751-C-T. GRCh37 (hg19) VCF-style: chr22-26164718-C-T.
Other names: c.835C>T, p.Pro279Ser (NM_001318245.2); short protein forms P279S.
Identifiers: ClinVar variation 1994824 (VCV001994824.4), dbSNP rs746695886, ClinGen allele CA411003554.

ClinVar aggregate classification (germline): Uncertain significance (1 of 4 stars; one submission).

Submission:

Labcorp Genetics (formerly Invitae), Labcorp
Classification: Uncertain significance. Last evaluated: 2022-06-07. Review status: criteria provided, single submitter. Criteria: Invitae Variant Classification Sherloc (09022015). Collection method: clinical testing. Allele origin: germline.
Comment: Algorithms developed to predict the effect of missense changes on protein structure and function output the following: SIFT: "Not Available"; PolyPhen-2: "Benign"; Align-GVGD: "Not Available". The serine amino acid residue is found in multiple mammalian species, which suggests that this missense change does not adversely affect protein function. This sequence change replaces proline, which is neutral and non-polar, with serine, which is neutral and polar, at codon 279 of the MYO18B protein (p.Pro279Ser). This variant is not present in population databases (gnomAD no frequency). This variant has not been reported in the literature in individuals affected with MYO18B-related conditions. In summary, the available evidence is currently insufficient to determine the role of this variant in disease. Therefore, it has been classified as a Variant of Uncertain Significance.